The following is an entry in ClinVar:

ClinVar aggregate classification (germline): Benign/Likely benign. Review status: criteria provided, multiple submitters, no conflicts (2 of 4 stars). 8 submissions from 8 submitters: Benign (1); Likely benign (4). 3 of the submissions do not count toward it. Last evaluated 2026-01-26.

Conditions:
CACNA1A-related disorder. Also called: CACNA1A-related condition.
Developmental and epileptic encephalopathy, 42 (DEE42A). Also called: DEVELOPMENTAL AND EPILEPTIC ENCEPHALOPATHY 42A; EPILEPTIC ENCEPHALOPATHY, EARLY INFANTILE, 42A; Epileptic encephalopathy, early infantile, 42. Identifiers: MedGen C4310716, MONDO:0014917, OMIM 617106.
Episodic ataxia type 2 (EA2). Also called: ATAXIA, EPISODIC, WITH NYSTAGMUS; ATAXIA, FAMILIAL PAROXYSMAL; CEREBELLAR ATAXIA, PAROXYSMAL, ACETAZOLAMIDE-RESPONSIVE; CEREBELLOPATHY, HEREDITARY PAROXYSMAL; ACETAZOLAMIDE-RESPONSIVE HEREDITARY PAROXYSMAL CEREBELLAR ATAXIA; EPISODIC ATAXIA, NYSTAGMUS-ASSOCIATED. Identifiers: Orphanet 97, MedGen C1720416, MONDO:0007163, OMIM 108500.

Allele frequency attached by ClinVar (database versions not stated): gnomAD exomes 0.00015 and 0.00033; ExAC 0.00016; gnomAD 0.00016 and 0.00017; TOPMed 0.00019; 1000 Genomes Project 0.00020; ESP Exome Variant Server 0.00025; 1000 Genomes Project 30x 0.00031.
gnomAD v4.1: 488 of 1,587,092 alleles (0.031%); highest among the groups gnomAD compares: Non-Finnish European, 0.039%; no homozygotes.

Submissions (8):

Labcorp Genetics (formerly Invitae), Labcorp
Classification: Likely benign for Developmental and epileptic encephalopathy, 42; Episodic ataxia type 2. Last evaluated: 2026-01-26. Review status: criteria provided, single submitter. Criteria: Invitae Variant Classification Sherloc (09022015). Collection method: clinical testing. Allele origin: germline.

Blueprint Genetics
Classification: Likely benign. Last evaluated: 2023-12-19. Review status: criteria provided, single submitter. Criteria: ACMG Guidelines, 2015. Collection method: clinical testing. Allele origin: germline.

CeGaT Center for Human Genetics Tuebingen
Classification: Likely benign. Last evaluated: 2023-09-01. Review status: criteria provided, single submitter. Criteria: CeGaT Center For Human Genetics Tuebingen Variant Classification Criteria Version 2. Collection method: clinical testing. Allele origin: germline. Affected: yes. Observed: 2 variant alleles.
Comment: CACNA1A: BP4, BP7

Athena Diagnostics
Classification: Benign. Last evaluated: 2021-01-20. Review status: criteria provided, single submitter. Criteria: Athena Diagnostics criteria. Collection method: clinical testing. Allele origin: unknown.

GeneDx
Classification: Likely benign. Last evaluated: 2019-03-29. Review status: criteria provided, single submitter. Criteria: GeneDx Variant Classification Process June 2021. Collection method: clinical testing. Allele origin: germline. Affected: yes.

PreventionGenetics, part of Exact Sciences
Classification: Likely benign for CACNA1A-related condition. Last evaluated: 2019-10-18. Review status: no assertion criteria provided. Collection method: clinical testing. Allele origin: germline. Not counted in ClinVar's aggregate classification.
Comment: This variant is classified as likely benign based on ACMG/AMP sequence variant interpretation guidelines (Richards et al. 2015 PMID: 25741868, with internal and published modifications).

Clinical Genetics DNA and cytogenetics Diagnostics Lab, Erasmus MC, Erasmus Medical Center
Classification: Likely benign. Review status: no assertion criteria provided. Collection method: clinical testing. Allele origin: germline. Affected: yes. Study: VKGL Data-share Consensus. Not counted in ClinVar's aggregate classification.

Joint Genome Diagnostic Labs from Nijmegen and Maastricht, Radboudumc and MUMC+
Classification: Likely benign. Review status: no assertion criteria provided. Collection method: clinical testing. Allele origin: germline. Affected: yes. Study: VKGL Data-share Consensus. Not counted in ClinVar's aggregate classification.

NM_001127222.2(CACNA1A):c.4410C>T (p.Asp1470=)

Gene: CACNA1A (calcium voltage-gated channel subunit alpha1 A; minus strand). Cytogenetic location: 19p13.13.
Variant type: single nucleotide variant.
Coding change: c.4410C>T on transcript NM_001127222.2 (MANE Select); coding-DNA position 4410, C replaced by T.
Protein change: p.Asp1470=; no amino-acid change (aspartic acid 1470 retained).
Molecular consequence: synonymous variant.
Genome position (GRCh38, 1-based): chr19:13,257,530, G>A on the plus strand (C>T on the coding strand, the complement: CACNA1A is on the minus strand). VCF-style: chr19-13257530-G-A. GRCh37 (hg19) VCF-style: chr19-13368344-G-A.
Other names: c.4422C>T, p.Asp1474= (NM_000068.4, NM_023035.3); c.4413C>T, p.Asp1471= (NM_001127221.2, NM_001174080.2); c.4413C>T (NM_000068.2); c.4410C>T (NM_001127222.1).
Identifiers: ClinVar variation 385066 (VCV000385066.50), dbSNP rs374555263, ClinGen allele CA9240011.